The following is an entry in ClinVar:

NM_001276345.2(TNNT2):c.52+6C>T

Gene: TNNT2 (troponin T2, cardiac type; minus strand). Cytogenetic location: 1q32.1.
Variant type: single nucleotide variant.
Coding change: c.52+6C>T on transcript NM_001276345.2 (MANE Select); 6 bases into the intron after coding-DNA position 52, C replaced by T.
Molecular consequence: intron variant.
Genome position (GRCh38, 1-based): chr1:201,372,139, G>A on the plus strand (C>T on the coding strand, the complement: TNNT2 is on the minus strand). VCF-style: chr1-201372139-G-A. GRCh37 (hg19) VCF-style: chr1-201341267-G-A.
Other names: c.52+6C>T (NM_001001432.3, NM_001001431.3, NM_001001430.3 and 3 more transcripts).
Identifiers: ClinVar variation 43650 (VCV000043650.15), dbSNP rs397516472, ClinGen allele CA004682.

ClinVar aggregate classification (germline): Uncertain significance. Review status: criteria provided, multiple submitters, no conflicts (2 of 4 stars). 3 submissions from 3 submitters: Uncertain significance (2). 1 of the submissions does not count toward it. Last evaluated 2025-11-09.

Conditions:
Hypertrophic cardiomyopathy 2. Also called: TNNT2-Related Familial Hypertrophic Cardiomyopathy. Identifiers: MedGen C1861864, MONDO:0007266, OMIM 115195.
Cardiomyopathy, familial restrictive, 3. Identifiers: Orphanet 75249, MedGen C2676271, MONDO:0012900, OMIM 612422.
Dilated cardiomyopathy 1D. Identifiers: Orphanet 154, Orphanet 54260, MedGen C1832243, MONDO:0011095, OMIM 601494.
Cardiomyopathy (CMYO). Also called: Cardiomyopathies. Identifiers: Orphanet 167848, MedGen C0878544, MONDO:0004994, HP:0001638. Inheritance: Various modes of inheritance.

Allele frequency attached by ClinVar (database versions not stated): TOPMed below 0.00001; gnomAD 0.00001; gnomAD exomes 0.00001.
gnomAD v4.1: 15 of 1,614,018 alleles (0.00093%); highest among the groups gnomAD compares: East Asian, 0.0045%; no homozygotes.

Submissions (3):

Labcorp Genetics (formerly Invitae), Labcorp
Classification: Uncertain significance for Cardiomyopathy, familial restrictive, 3; Hypertrophic cardiomyopathy 2; Dilated cardiomyopathy 1D. Last evaluated: 2025-11-09. Review status: criteria provided, single submitter. Criteria: Invitae Variant Classification Sherloc (09022015). Collection method: clinical testing. Allele origin: germline.
Comment: This sequence change falls in intron 3 of the TNNT2 gene. It does not directly change the encoded amino acid sequence of the TNNT2 protein. It affects a nucleotide within the consensus splice site. This variant is present in population databases (rs397516472, gnomAD 0.003%). This variant has been observed in individual(s) with hypertrophic cardiomyopathy (PMID: 25611685). ClinVar contains an entry for this variant (Variation ID: 43650). Variants that disrupt the consensus splice site are a relatively common cause of aberrant splicing (PMID: 17576681, 9536098). Algorithms developed to predict the effect of sequence changes on RNA splicing suggest that this variant may disrupt the consensus splice site. In summary, the available evidence is currently insufficient to determine the role of this variant in disease. Therefore, it has been classified as a Variant of Uncertain Significance.

All of Us Research Program, National Institutes of Health
Classification: Uncertain significance for Cardiomyopathy. Last evaluated: 2024-06-09. Review status: criteria provided, single submitter. Criteria: ACMG Guidelines, 2015. Collection method: clinical testing. Allele origin: germline. Inheritance: Autosomal dominant inheritance. Observed: 4 variant alleles, 4 heterozygotes.
Comment: This variant causes a C to T nucleotide substitution at the +6 position of intron 3 of the TNNT2 gene. Splice site prediction tools are inconclusive regarding the impact of this variant on RNA splicing. To our knowledge, RNA studies have not been reported for this variant. This variant has been reported in one individual affected with hypertrophic cardiomyopathy (PMID: 25611685). This variant has been identified in 3/251486 chromosomes in the general population by the Genome Aggregation Database (gnomAD). The available evidence is insufficient to determine the role of this variant in disease conclusively. Therefore, this variant is classified as a Variant of Uncertain Significance.

This study involves interpretation of variants in research participants for the purpose of population health screening. Participant phenotype was not available at the time of variant classification. Additional details can be found in publication PMID: 35346344, PMCID: PMC8962531

Laboratory for Molecular Medicine, Mass General Brigham Personalized Medicine
Classification: Uncertain significance. Last evaluated: 2009-01-14. Review status: no assertion criteria provided. Collection method: clinical testing. Allele origin: germline. Observed: 1 variant allele. Not counted in ClinVar's aggregate classification.

Literature cited by the submitters: PubMed 25611685 (cited by Labcorp Genetics (formerly Invitae), Labcorp and All of Us Research Program, National Institutes of Health); PubMed 17576681 (cited by Labcorp Genetics (formerly Invitae), Labcorp); PubMed 9536098 (cited by Labcorp Genetics (formerly Invitae), Labcorp).